The following is an entry in ClinVar:

NM_002734.5(PRKAR1A):c.738T>G (p.Tyr246Ter)

Gene: PRKAR1A (protein kinase cAMP-dependent type I regulatory subunit alpha; plus strand). Cytogenetic location: 17q24.2.
Variant type: single nucleotide variant.
Coding change: c.738T>G on transcript NM_002734.5 (MANE Select); coding-DNA position 738, T replaced by G.
Protein change: p.Tyr246Ter; replaces tyrosine 246 with a stop codon.
Molecular consequence: nonsense.
Genome position (GRCh38, 1-based): chr17:68,527,869, T>G. VCF-style: chr17-68527869-T-G. GRCh37 (hg19) VCF-style: chr17-66524010-T-G.
Other names: c.738T>G, p.Tyr246Ter (NM_001276289.2, NM_001276290.1, NM_001278433.2 and 4 more transcripts); short protein forms Y246*.
Identifiers: ClinVar variation 280060 (VCV000280060.10), dbSNP rs886041351, ClinGen allele CA10603600.
Genomic context (GRCh38, chr17:68,527,869, plus strand): 5'-GGGATATCACTTTTGTTATTTTTATTTTTAGGGAAGCACACTGAGAAAGCGGAAGATGTA[T>G]GAGGAATTCCTTAGTAAAGTCTCTATTTTAGGTGAGTTGTAAAGTGTGTTAACTTTGCTA-3'

ClinVar aggregate classification (germline): Pathogenic. Review status: criteria provided, multiple submitters, no conflicts (2 of 4 stars). 2 submissions from 2 submitters: Pathogenic (2). Last evaluated 2022-10-08.

Conditions:
Carney complex, type 1 (CNC1). Also called: CARNEY COMPLEX, TYPE I; CARNEY MYXOMA-ENDOCRINE COMPLEX. Identifiers: Orphanet 1359, MedGen C2607929, MONDO:0008057, OMIM 160980.

Submissions (2):

Labcorp Genetics (formerly Invitae), Labcorp
Classification: Pathogenic for Carney complex, type 1. Last evaluated: 2022-10-08. Review status: criteria provided, single submitter. Criteria: Invitae Variant Classification Sherloc (09022015). Collection method: clinical testing. Allele origin: germline.
Comment: For these reasons, this variant has been classified as Pathogenic. ClinVar contains an entry for this variant (Variation ID: 280060). This premature translational stop signal has been observed in individual(s) with Carney complex (PMID: 19293268). This variant is not present in population databases (gnomAD no frequency). This sequence change creates a premature translational stop signal (p.Tyr246*) in the PRKAR1A gene. It is expected to result in an absent or disrupted protein product. Loss-of-function variants in PRKAR1A are known to be pathogenic (PMID: 11115848, 19293268).

GeneDx
Classification: Pathogenic. Last evaluated: 2016-09-20. Review status: criteria provided, single submitter. Criteria: GeneDx Variant Classification (06012015). Collection method: clinical testing. Allele origin: germline. Affected: yes.
Comment: The Y246X variant in the PRKAR1A gene has been reported previously in association with Carney complex (Bertherat et al., 2009; Libe et al., 2011). This variant is predicted to cause loss of normal protein function either through protein truncation or nonsense-mediated mRNA decay. Based on currently available evidence, we consider Y246X to be pathogenic.

Literature cited by the submitters: PubMed 19293268 (cited by Labcorp Genetics (formerly Invitae), Labcorp); PubMed 11115848 (cited by Labcorp Genetics (formerly Invitae), Labcorp).